The following is an entry in ClinVar:

NM_001382567.1(STIM1):c.498-4A>G

Gene: STIM1 (stromal interaction molecule 1; plus strand). Cytogenetic location: 11p15.4.
Variant type: single nucleotide variant.
Coding change: c.498-4A>G on transcript NM_001382567.1 (MANE Select); 4 bases into the intron before coding-DNA position 498, A replaced by G.
Molecular consequence: intron variant.
Genome position (GRCh38, 1-based): chr11:4,059,277, A>G. VCF-style: chr11-4059277-A-G. GRCh37 (hg19) VCF-style: chr11-4080507-A-G.
Other names: c.276-4A>G (NM_001382578.1, NM_001382575.1, NM_001382576.1 and 5 more transcripts); c.9-4A>G (NM_001382580.1, NM_001382581.1); c.498-4A>G (NM_001382568.1, NM_001277962.2, NM_003156.4 and 2 more transcripts); c.386-10749A>G (NM_001382570.1); c.363-4A>G (NM_001382569.1); c.18-4A>G (NM_001382571.1).
Identifiers: ClinVar variation 964492 (VCV000964492.10), dbSNP rs977105613, ClinGen allele CA216351252.

ClinVar aggregate classification (germline): Uncertain significance (1 of 4 stars; one submission).

Conditions:
Myopathy with tubular aggregates (TAM). Also called: Tubular Aggregate Myopathy. Identifiers: Orphanet 2593, MedGen C0410207, MONDO:0008051.
Stormorken syndrome (STRMK). Also called: THROMBOCYTOPATHY, ASPLENIA, AND MIOSIS. Identifiers: Orphanet 3204, MedGen C1861451, MONDO:0008497, OMIM 185070.
Combined immunodeficiency due to STIM1 deficiency. Also called: IMMUNODEFICIENCY 10; STIM1 DEFICIENCY. Identifiers: Orphanet 169090, Orphanet 317430, MedGen C2748557, MONDO:0013008, OMIM 612783.

Allele frequency attached by ClinVar (database versions not stated): gnomAD exomes 0.00001; TOPMed 0.00002.

Submission:

Labcorp Genetics (formerly Invitae), Labcorp
Classification: Uncertain significance for Myopathy with tubular aggregates; Combined immunodeficiency due to STIM1 deficiency; Stormorken syndrome. Last evaluated: 2025-01-18. Review status: criteria provided, single submitter. Criteria: Invitae Variant Classification Sherloc (09022015). Collection method: clinical testing. Allele origin: germline.
Comment: This sequence change falls in intron 4 of the STIM1 gene. It does not directly change the encoded amino acid sequence of the STIM1 protein. This variant is present in population databases (no rsID available, gnomAD 0.0009%). This variant has not been reported in the literature in individuals affected with STIM1-related conditions. ClinVar contains an entry for this variant (Variation ID: 964492). Algorithms developed to predict the effect of sequence changes on RNA splicing suggest that this variant may create or strengthen a splice site. In summary, the available evidence is currently insufficient to determine the role of this variant in disease. Therefore, it has been classified as a Variant of Uncertain Significance.